The following is an entry in ClinVar:

NM_004725.4(BUB3):c.496A>G (p.Asn166Asp)

Gene: BUB3 (BUB3 mitotic checkpoint protein; plus strand). Cytogenetic location: 10q26.13.
Variant type: single nucleotide variant.
Coding change: c.496A>G on transcript NM_004725.4 (MANE Select); coding-DNA position 496, A replaced by G.
Protein change: p.Asn166Asp; replaces asparagine 166 with aspartic acid.
Molecular consequence: missense variant.
Genome position (GRCh38, 1-based): chr10:123,160,485, A>G. VCF-style: chr10-123160485-A-G. GRCh37 (hg19) VCF-style: chr10-124920001-A-G.
Other names: c.496A>G, p.Asn166Asp (NM_001007793.3); short protein forms N166D.
Identifiers: ClinVar variation 3483289 (VCV003483289.1).

ClinVar aggregate classification (germline): Uncertain significance (1 of 4 stars; one submission).

Submission:

Ambry Genetics
Classification: Uncertain significance. Last evaluated: 2024-09-18. Review status: criteria provided, single submitter. Criteria: Ambry Variant Classification Scheme 2023. Collection method: clinical testing. Allele origin: germline.
Comment: The p.N166D variant (also known as c.496A>G), located in coding exon 4 of the BUB3 gene, results from an A to G substitution at nucleotide position 496. The asparagine at codon 166 is replaced by aspartic acid, an amino acid with highly similar properties. This amino acid position is conserved. In addition, this alteration is predicted to be tolerated by in silico analysis. Based on the available evidence, the clinical significance of this variant remains unclear.